The following is an entry in ClinVar:

ClinVar aggregate classification (germline): Uncertain significance (1 of 4 stars; one submission).

Conditions:
Long QT syndrome (LQTS). Identifiers: MedGen C0023976, MeSH D008133, MONDO:0002442. Disease mechanism: loss of function. Inheritance: Various modes of inheritance.

Submission:

Labcorp Genetics (formerly Invitae), Labcorp
Classification: Uncertain significance for Long QT syndrome. Last evaluated: 2021-12-17. Review status: criteria provided, single submitter. Criteria: Invitae Variant Classification Sherloc (09022015). Collection method: clinical testing. Allele origin: germline.
Comment: This variant has not been reported in the literature in individuals affected with AKAP9-related conditions. In summary, the available evidence is currently insufficient to determine the role of this variant in disease. Therefore, it has been classified as a Variant of Uncertain Significance. This variant is a gross deletion of the genomic region encompassing exon(s) 13-24 of the AKAP9 gene. This deletion is out-of-frame, and is expected to create a premature translational stop signal and result in an absent or disrupted protein product. However, the current clinical and genetic evidence is not sufficient to establish whether loss-of-function variants in AKAP9 cause disease.

NC_000007.13:g.(?_91651532)_(91691820_?)del

Gene: AKAP9 (A-kinase anchoring protein 9; plus strand). Cytogenetic location: 7q21.2.
Variant type: Deletion.
Identifiers: ClinVar variation 2425412 (VCV002425412.4).